The following is an entry in ClinVar:

ClinVar aggregate classification (germline): Likely benign (1 of 4 stars; one submission).

Submission:

GeneDx
Classification: Likely benign. Last evaluated: 2017-07-04. Review status: criteria provided, single submitter. Criteria: GeneDx Variant Classification (06012015). Collection method: clinical testing. Allele origin: germline. Affected: yes.
Comment: This variant is considered likely benign or benign based on one or more of the following criteria: it is a conservative change, it occurs at a poorly conserved position in the protein, it is predicted to be benign by multiple in silico algorithms, and/or has population frequency not consistent with disease.

NM_001286577.2(C2CD3):c.3518-3C>T

Gene: C2CD3 (C2 domain containing 3 centriole elongation regulator; minus strand). Cytogenetic location: 11q13.4.
Variant type: single nucleotide variant.
Coding change: c.3518-3C>T on transcript NM_001286577.2 (MANE Select); 3 bases into the intron before coding-DNA position 3518, C replaced by T.
Molecular consequence: intron variant.
Genome position (GRCh38, 1-based): chr11:74,090,939, G>A on the plus strand (C>T on the coding strand, the complement: C2CD3 is on the minus strand). VCF-style: chr11-74090939-G-A. GRCh37 (hg19) VCF-style: chr11-73801984-G-A.
Other names: c.3518-3C>T (NM_015531.6).
Identifiers: ClinVar variation 518172 (VCV000518172.1), dbSNP rs1555035645, ClinGen allele CA475663654.